The following is an entry in ClinVar:

NM_018896.5(CACNA1G):c.2207T>C (p.Phe736Ser)

Gene: CACNA1G (calcium voltage-gated channel subunit alpha1 G; plus strand). Cytogenetic location: 17q21.33.
Variant type: single nucleotide variant.
Coding change: c.2207T>C on transcript NM_018896.5 (MANE Select); coding-DNA position 2207, T replaced by C.
Protein change: p.Phe736Ser; replaces phenylalanine 736 with serine.
Molecular consequence: missense variant. On other transcripts: non-coding transcript variant (5).
Genome position (GRCh38, 1-based): chr17:50,578,470, T>C. VCF-style: chr17-50578470-T-C. GRCh37 (hg19) VCF-style: chr17-48655831-T-C.
Other names: c.2207T>C, p.Phe736Ser (NM_001256324.2, NM_001256325.2, NM_001256326.2 and 24 more transcripts); short protein forms F736S.
Identifiers: ClinVar variation 4527948 (VCV004527948.1).

ClinVar aggregate classification (germline): Uncertain significance (1 of 4 stars; one submission).

Submission:

GeneDx
Classification: Uncertain significance. Last evaluated: 2025-05-05. Review status: criteria provided, single submitter. Criteria: GeneDx Variant Classification Process June 2021. Collection method: clinical testing. Allele origin: germline. Affected: yes.
Comment: Not observed at significant frequency in large population cohorts (gnomAD); In silico analysis supports that this missense variant has a deleterious effect on protein structure/function; Has not been previously published as pathogenic or benign to our knowledge